The following is an entry in ClinVar:

NM_000548.5(TSC2):c.1204G>A (p.Gly402Arg)

Gene: TSC2 (TSC complex subunit 2; plus strand). Cytogenetic location: 16p13.3.
Variant type: single nucleotide variant.
Coding change: c.1204G>A on transcript NM_000548.5 (MANE Select); coding-DNA position 1204, G replaced by A.
Protein change: p.Gly402Arg; replaces glycine 402 with arginine.
Molecular consequence: missense variant.
Genome position (GRCh38, 1-based): chr16:2,061,955, G>A. VCF-style: chr16-2061955-G-A. GRCh37 (hg19) VCF-style: chr16-2111956-G-A.
Other names: c.1204G>A, p.Gly402Arg (NM_001077183.3, NM_001114382.3, NM_001363528.2 and 3 more transcripts); c.1093G>A, p.Gly365Arg (NM_001318827.2); c.1057G>A, p.Gly353Arg (NM_001318829.2); c.604G>A, p.Gly202Arg (NM_001318831.2); c.1237G>A, p.Gly413Arg (NM_001318832.2); short protein forms G402R, G365R, G202R, G353R, G413R.
Identifiers: ClinVar variation 467848 (VCV000467848.22), dbSNP rs771561593, ClinGen allele CA028779.
Genomic context (GRCh38, chr16:2,061,955, plus strand): 5'-ACCATCGTCCATGACCTGTTGACCACGGTGGAGGAGCTGTGTGACCAGAACGAGTTCCAC[G>A]GGTCTCAGGAGAGATACTTTGAACTGGTGGAGAGATGTGCGGACCAGAGGCCTGTGAGAC-3'
Protein context (NP_000539.2, residues 392-412): EELCDQNEFH[Gly402Arg]SQERYFELVE

ClinVar aggregate classification (germline): Conflicting classifications of pathogenicity. Review status: criteria provided, conflicting classifications (1 of 4 stars). 5 submissions from 5 submitters: Uncertain significance (3); Likely benign (2). Last evaluated 2025-10-27.

Conditions:
Tuberous sclerosis syndrome (TSC). Also called: Tuberous Sclerosis Complex; Tuberous sclerosis. Identifiers: Orphanet 805, MedGen C0041341, MONDO:0001734.
Hereditary cancer-predisposing syndrome. Also called: Hereditary neoplastic syndrome; Neoplastic Syndromes, Hereditary; Tumor predisposition; Hereditary Cancer Syndrome. Identifiers: Orphanet 140162, MedGen C0027672, MeSH D009386, MONDO:0015356.
Tuberous sclerosis 2 (TSC2). Identifiers: Orphanet 805, MedGen C1860707, MONDO:0013199, OMIM 613254.

Allele frequency attached by ClinVar (database versions not stated): gnomAD exomes below 0.00001; TOPMed below 0.00001; ExAC 0.00001.
gnomAD v4.1: 12 of 1,614,164 alleles (0.00074%); highest among the groups gnomAD compares: East Asian, 0.0022%; no homozygotes.

Submissions (5):

Labcorp Genetics (formerly Invitae), Labcorp
Classification: Likely benign for Tuberous sclerosis 2. Last evaluated: 2025-10-27. Review status: criteria provided, single submitter. Criteria: Invitae Variant Classification Sherloc (09022015). Collection method: clinical testing. Allele origin: germline.

All of Us Research Program, National Institutes of Health
Classification: Uncertain significance for Tuberous sclerosis syndrome. Last evaluated: 2024-05-09. Review status: criteria provided, single submitter. Criteria: ACMG Guidelines, 2015. Collection method: clinical testing. Allele origin: germline. Inheritance: Autosomal dominant inheritance. Observed: 6 variant alleles, 6 heterozygotes.
Comment: This missense variant replaces glycine with arginine at codon 402 of the TSC2 protein. Computational prediction is inconclusive regarding the impact of this variant on protein structure and function (internally defined REVEL score threshold 0.5 < inconclusive < 0.7, PMID: 27666373). To our knowledge, functional studies have not been reported for this variant. This variant has not been reported in individuals affected with tuberous sclerosis complex in the literature. This variant has been identified in 1/251108 chromosomes in the general population by the Genome Aggregation Database (gnomAD). The available evidence is insufficient to determine the role of this variant in disease conclusively. Therefore, this variant is classified as a Variant of Uncertain Significance.

This study involves interpretation of variants in research participants for the purpose of population health screening. Participant phenotype was not available at the time of variant classification. Additional details can be found in publication PMID: 35346344, PMCID: PMC8962531

Ambry Genetics
Classification: Uncertain significance for Hereditary cancer-predisposing syndrome. Last evaluated: 2024-05-08. Review status: criteria provided, single submitter. Criteria: Ambry Variant Classification Scheme 2023. Collection method: clinical testing. Allele origin: germline.
Comment: The p.G402R variant (also known as c.1204G>A), located in coding exon 11 of the TSC2 gene, results from a G to A substitution at nucleotide position 1204. The glycine at codon 402 is replaced by arginine, an amino acid with dissimilar properties. This amino acid position is highly conserved in available vertebrate species. In addition, this alteration is predicted to be deleterious by in silico analysis. Based on the available evidence, the clinical significance of this variant remains unclear.

Color Diagnostics, LLC DBA Color Health
Classification: Uncertain significance for Tuberous sclerosis syndrome. Last evaluated: 2023-11-20. Review status: criteria provided, single submitter. Criteria: ACMG Guidelines, 2015. Collection method: clinical testing. Allele origin: germline.
Comment: This missense variant replaces glycine with arginine at codon 402 of the TSC2 protein. Computational prediction is inconclusive regarding the impact of this variant on protein structure and function. To our knowledge, functional studies have not been reported for this variant. This variant has not been reported in individuals affected with TSC2-related disorders in the literature. This variant has been identified in 1/251108 chromosomes in the general population by the Genome Aggregation Database (gnomAD). The available evidence is insufficient to determine the role of this variant in disease conclusively. Therefore, this variant is classified as a Variant of Uncertain Significance.

Genome-Nilou Lab
Classification: Likely benign for Tuberous sclerosis 2. Last evaluated: 2021-11-07. Review status: criteria provided, single submitter. Criteria: ACMG Guidelines, 2015. Collection method: clinical testing. Allele origin: germline. Affected: no.